The following is an entry in ClinVar:

NM_178857.6(RP1L1):c.6376C>T (p.Gln2126Ter)

Gene: RP1L1 (RP1 like 1). Cytogenetic location: 8p23.1.
Variant type: single nucleotide variant.
Coding change: c.6376C>T on transcript NM_178857.6 (MANE Select); coding-DNA position 6376, C replaced by T.
Protein change: p.Gln2126Ter; replaces glutamine 2126 with a stop codon.
Molecular consequence: nonsense.
Genome position (GRCh38, 1-based): chr8:10,607,722, G>A on the plus strand (C>T on the coding strand, the complement: RP1L1 is on the minus strand). VCF-style: chr8-10607722-G-A. GRCh37 (hg19) VCF-style: chr8-10465232-G-A.
Other names: short protein forms Q2126*.
Identifiers: ClinVar variation 424025 (VCV000424025.3), dbSNP rs1064796755, ClinGen allele CA16618581.

ClinVar aggregate classification (germline): Uncertain significance (1 of 4 stars; one submission).

Allele frequency attached by ClinVar (database versions not stated): gnomAD exomes below 0.00001.

Submission:

GeneDx
Classification: Uncertain significance. Last evaluated: 2017-03-13. Review status: criteria provided, single submitter. Criteria: GeneDx Variant Classification (06012015). Collection method: clinical testing. Allele origin: germline. Affected: yes.
Comment: The Q2126X variant in the RP1L1 gene has not been reported previously as a pathogenic variant nor as a benign variant, to our knowledge. This variant is predicted to cause loss of normal protein function through protein truncation. The Q2126X variant is not observed in large population cohorts (Lek et al., 2016; 1000 Genomes Consortium et al., 2015; Exome Variant Server). We interpret Q2126X as a variant of uncertain significance.